The following is an entry in ClinVar:

ClinVar aggregate classification (germline): Uncertain significance (1 of 4 stars; one submission).

Submission:

GeneDx
Classification: Uncertain significance. Last evaluated: 2025-01-23. Review status: criteria provided, single submitter. Criteria: GeneDx Variant Classification Process June 2021. Collection method: clinical testing. Allele origin: germline. Affected: yes.
Comment: Not observed at significant frequency in large population cohorts (gnomAD); In silico analysis supports that this missense variant has a deleterious effect on protein structure/function; Has not been previously published as pathogenic or benign to our knowledge

NM_001197104.2(KMT2A):c.1031A>T (p.Asp344Val)

Gene: KMT2A (lysine methyltransferase 2A; plus strand). Cytogenetic location: 11q23.3.
Variant type: single nucleotide variant.
Coding change: c.1031A>T on transcript NM_001197104.2 (MANE Select); coding-DNA position 1031, A replaced by T.
Protein change: p.Asp344Val; replaces aspartic acid 344 with valine.
Molecular consequence: missense variant.
Genome position (GRCh38, 1-based): chr11:118,472,190, A>T. VCF-style: chr11-118472190-A-T. GRCh37 (hg19) VCF-style: chr11-118342905-A-T.
Other names: c.1130A>T, p.Asp377Val (NM_001412597.1); c.1031A>T, p.Asp344Val (NM_005933.4); short protein forms D344V, D377V.
Identifiers: ClinVar variation 4071727 (VCV004071727.1).